The following is an entry in ClinVar:

ClinVar aggregate classification (germline): Uncertain significance. Review status: criteria provided, multiple submitters, no conflicts (2 of 4 stars). 4 submissions from 4 submitters: Uncertain significance (3). 1 of the submissions does not count toward it. Last evaluated 2025-07-14.

Conditions:
Nonsyndromic Oculocutaneous Albinism.

Allele frequency attached by ClinVar (database versions not stated): gnomAD 0.00001 and 0.00006; TOPMed 0.00003; gnomAD exomes 0.00015 and 0.00031; ExAC 0.00029; 1000 Genomes Project 30x 0.00047; 1000 Genomes Project 0.00060.
gnomAD v4.1: 235 of 1,613,970 alleles (0.015%); highest among the groups gnomAD compares: South Asian, 0.22%; 4 homozygotes.

Submissions (4):

Women's Health and Genetics/Laboratory Corporation of America, LabCorp
Classification: Uncertain significance. Last evaluated: 2025-07-14. Review status: criteria provided, single submitter. Criteria: LabCorp Variant Classification Summary - May 2015. Collection method: clinical testing. Allele origin: germline.
Comment: Variant summary: OCA2 c.1064C>T (p.Ala355Val) results in a non-conservative amino acid change located in the Citrate transporter-like domain (IPR004680) of the encoded protein sequence. Algorithms developed to predict the effect of missense changes on protein structure and function all suggest that this variant is likely to be disruptive. This frequency is not significantly higher than estimated for a pathogenic variant in OCA2 causing Oculocutaneous Albinism (0.00031 vs 0.0043), allowing no conclusion about variant significance. c.1064C>T has been reported in the literature in at least one individual affected with Oculocutaneous Albinism (e.g., Shahzad_2017). These report(s) do not provide unequivocal conclusions about association of the variant with Oculocutaneous Albinism. To our knowledge, no experimental evidence demonstrating an impact on protein function has been reported. The following publication was ascertained in the context of this evaluation (PMID: 28266639). ClinVar contains an entry for this variant (Variation ID: 617804). Based on the evidence outlined above, the variant was classified as uncertain significance.

Blueprint Genetics
Classification: Uncertain significance. Last evaluated: 2024-11-19. Review status: criteria provided, single submitter. Criteria: ACMG Guidelines, 2015. Collection method: clinical testing. Allele origin: germline.

Labcorp Genetics (formerly Invitae), Labcorp
Classification: Uncertain significance. Last evaluated: 2022-10-13. Review status: criteria provided, single submitter. Criteria: Invitae Variant Classification Sherloc (09022015). Collection method: clinical testing. Allele origin: germline.
Comment: This sequence change replaces alanine, which is neutral and non-polar, with valine, which is neutral and non-polar, at codon 355 of the OCA2 protein (p.Ala355Val). This variant is present in population databases (rs570914443, gnomAD 0.2%). This missense change has been observed in individual(s) with ocular albinism (PMID: 28266639). ClinVar contains an entry for this variant (Variation ID: 617804). Advanced modeling of protein sequence and biophysical properties (such as structural, functional, and spatial information, amino acid conservation, physicochemical variation, residue mobility, and thermodynamic stability) has been performed at Invitae for this missense variant, however the output from this modeling did not meet the statistical confidence thresholds required to predict the impact of this variant on OCA2 protein function. In summary, the available evidence is currently insufficient to determine the role of this variant in disease. Therefore, it has been classified as a Variant of Uncertain Significance.

University of Washington Center for Mendelian Genomics, University of Washington
Classification: Likely pathogenic for Nonsyndromic Oculocutaneous Albinism. Last evaluated: 2017-03-07. Review status: no assertion criteria provided. Collection method: research. Allele origin: unknown. Affected: yes. Observed: 1 homozygote. Not counted in ClinVar's aggregate classification.

Literature cited by the submitters: PubMed 28266639 (cited by 3 submitters).

NM_000275.3(OCA2):c.1064C>T (p.Ala355Val)

Gene: OCA2 (OCA2 melanosomal transmembrane protein; minus strand). Cytogenetic location: 15q13.1.
Variant type: single nucleotide variant.
Coding change: c.1064C>T on transcript NM_000275.3 (MANE Select); coding-DNA position 1064, C replaced by T.
Protein change: p.Ala355Val; replaces alanine 355 with valine.
Molecular consequence: missense variant. On other transcripts: intron variant (1).
Genome position (GRCh38, 1-based): chr15:27,990,628, G>A on the plus strand (C>T on the coding strand, the complement: OCA2 is on the minus strand). VCF-style: chr15-27990628-G-A. GRCh37 (hg19) VCF-style: chr15-28235774-G-A.
Other names: c.1045-962C>T (NM_001300984.2); short protein forms A355V.
Identifiers: ClinVar variation 617804 (VCV000617804.7), dbSNP rs570914443, ClinGen allele CA7439227.